The following is an entry in ClinVar:

NM_005912.3(MC4R):c.31A>G (p.Thr11Ala)

Gene: MC4R (melanocortin 4 receptor; minus strand). Cytogenetic location: 18q21.32.
Variant type: single nucleotide variant.
Coding change: c.31A>G on transcript NM_005912.3 (MANE Select); coding-DNA position 31, A replaced by G.
Protein change: p.Thr11Ala; replaces threonine 11 with alanine.
Molecular consequence: missense variant.
Genome position (GRCh38, 1-based): chr18:60,372,319, T>C on the plus strand (A>G on the coding strand, the complement: MC4R is on the minus strand). VCF-style: chr18-60372319-T-C. GRCh37 (hg19) VCF-style: chr18-58039552-T-C.
Other names: c.31A>G (NM_005912.2); short protein forms T11A.
Identifiers: ClinVar variation 917433 (VCV000917433.8), dbSNP rs372794914, ClinGen allele CA8981000.

ClinVar aggregate classification (germline): Uncertain significance. Review status: criteria provided, multiple submitters, no conflicts (2 of 4 stars). 4 submissions from 4 submitters: Uncertain significance (3). 1 of the submissions does not count toward it. Last evaluated 2023-07-09.

Conditions:
BODY MASS INDEX QUANTITATIVE TRAIT LOCUS 20 (BMIQ20). Also called: MELANOCORTIN 4 RECEPTOR DEFICIENCY; MC4R DEFICIENCY. Identifiers: MedGen C4759928, OMIM 618406.
MC4R-related disorder. Also called: MC4R-related condition.
Monogenic diabetes. Identifiers: Orphanet 183625, MedGen C3888631, MONDO:0015967.

Allele frequency attached by ClinVar (database versions not stated): gnomAD 0.00002 and 0.00003; TOPMed 0.00003; ExAC 0.00006; gnomAD exomes 0.00006 and 0.00013; ESP Exome Variant Server 0.00008.
gnomAD v4.1: 195 of 1,614,078 alleles (0.012%); highest among the groups gnomAD compares: Non-Finnish European, 0.015%; no homozygotes.

Submissions (4):

Labcorp Genetics (formerly Invitae), Labcorp
Classification: Uncertain significance. Last evaluated: 2023-07-09. Review status: criteria provided, single submitter. Criteria: Invitae Variant Classification Sherloc (09022015). Collection method: clinical testing. Allele origin: germline.
Comment: This variant is also known as A424G. ClinVar contains an entry for this variant (Variation ID: 917433). Advanced modeling of protein sequence and biophysical properties (such as structural, functional, and spatial information, amino acid conservation, physicochemical variation, residue mobility, and thermodynamic stability) performed at Invitae indicates that this missense variant is not expected to disrupt MC4R protein function. This sequence change replaces threonine, which is neutral and polar, with alanine, which is neutral and non-polar, at codon 11 of the MC4R protein (p.Thr11Ala). This variant is present in population databases (rs372794914, gnomAD 0.01%). This missense change has been observed in individual(s) with obesity (PMID: 12646665, 12646666, 18559663). Experimental studies are conflicting or provide insufficient evidence to determine the effect of this variant on MC4R function (PMID: 12646665, 16030156, 16752916, 25332687). In summary, the available evidence is currently insufficient to determine the role of this variant in disease. Therefore, it has been classified as a Variant of Uncertain Significance.

Fulgent Genetics
Classification: Uncertain significance for BODY MASS INDEX QUANTITATIVE TRAIT LOCUS 20. Last evaluated: 2021-09-29. Review status: criteria provided, single submitter. Criteria: ACMG Guidelines, 2015. Collection method: clinical testing. Allele origin: unknown.

Personalized Diabetes Medicine Program, University of Maryland School of Medicine
Classification: Uncertain significance for Monogenic diabetes. Last evaluated: 2018-10-05. Review status: criteria provided, single submitter. Criteria: ACMG Guidelines, 2015. Collection method: research. Allele origin: unknown. Observed: 2 variant alleles, 2 heterozygotes.
Comment: ACMG criteria: BP4 (REVEL 0.034 + 10 predictors); PM5 (ACMG criteria T11S: PM2, BP4, PS3 (PMID: 154889963) = LP (not using PS4 even though identified in two individuals w obesity PMIDs: 10903341, 16507637)); Not using BS3/PP3 due to conflicting functional evidence (25332687, 16030156, 12646665)= VUS

PreventionGenetics, part of Exact Sciences
Classification: Uncertain significance for MC4R-related condition. Last evaluated: 2024-05-17. Review status: no assertion criteria provided. Collection method: clinical testing. Allele origin: germline. Not counted in ClinVar's aggregate classification.
Comment: The MC4R c.31A>G variant is predicted to result in the amino acid substitution p.Thr11Ala. This variant has been reported in multiple obese individuals (Branson et al. 2003. PubMed ID: 12646666; Tao et al. 2005. PubMed ID: 16030156; Stutzmann et al. 2008. PubMed ID: 18559663). Although one in vitro study reported that this variant is partially functional (Farooqi et al. 2003. PubMed ID: 12646665), other in vitro functional studies report that this variant does not impact normal protein function (Tao et al. 2005. PubMed ID: 16030156; Xiang et al. 2006. PubMed ID: 16752916). This variant is reported in 0.012% of alleles in individuals of European (Non-Finnish) descent in gnomAD. At this time, the clinical significance of this variant is uncertain due to the absence of conclusive functional and genetic evidence.

Literature cited by the submitters: PubMed 12646665 (cited by Labcorp Genetics (formerly Invitae), Labcorp); PubMed 12646666 (cited by Labcorp Genetics (formerly Invitae), Labcorp); PubMed 18559663 (cited by Labcorp Genetics (formerly Invitae), Labcorp); PubMed 16030156 (cited by Labcorp Genetics (formerly Invitae), Labcorp); PubMed 16752916 (cited by Labcorp Genetics (formerly Invitae), Labcorp); PubMed 25332687 (cited by Labcorp Genetics (formerly Invitae), Labcorp); PubMed 154889963 (cited by Personalized Diabetes Medicine Program, University of Maryland School of Medicine); PubMed 10903341 (cited by Personalized Diabetes Medicine Program, University of Maryland School of Medicine); PubMed 16507637 (cited by Personalized Diabetes Medicine Program, University of Maryland School of Medicine).